The following is an entry in ClinVar:

NM_015335.5(MED13L):c.6350G>T (p.Cys2117Phe)

Gene: MED13L (mediator complex subunit 13L; minus strand). Cytogenetic location: 12q24.21.
Variant type: single nucleotide variant.
Coding change: c.6350G>T on transcript NM_015335.5 (MANE Select); coding-DNA position 6350, G replaced by T.
Protein change: p.Cys2117Phe; replaces cysteine 2117 with phenylalanine.
Molecular consequence: missense variant.
Genome position (GRCh38, 1-based): chr12:115,966,119, C>A on the plus strand (G>T on the coding strand, the complement: MED13L is on the minus strand). VCF-style: chr12-115966119-C-A. GRCh37 (hg19) VCF-style: chr12-116403924-C-A.
Other names: short protein forms C2117F.
Identifiers: ClinVar variation 3393692 (VCV003393692.2).

ClinVar aggregate classification (germline): Uncertain significance (1 of 4 stars; one submission).

Submission:

GeneDx
Classification: Uncertain significance. Last evaluated: 2026-01-08. Review status: criteria provided, single submitter. Criteria: GeneDx Variant Classification Process June 2021. Collection method: clinical testing. Allele origin: germline. Affected: yes.
Comment: Not observed at significant frequency in large population cohorts (gnomAD); In silico analysis supports that this missense variant has a deleterious effect on protein structure/function; Has not been previously published as pathogenic or benign to our knowledge